The following is an entry in ClinVar:

ClinVar aggregate classification (germline): Uncertain significance (1 of 4 stars; one submission).

Allele frequency attached by ClinVar (database versions not stated): TOPMed below 0.00001; gnomAD exomes 0.00001 and 0.00003; ExAC 0.00002.
gnomAD v4.1: 9 of 1,613,952 alleles (0.00056%); highest among the groups gnomAD compares: Admixed American, 0.0067%; no homozygotes.

Submission:

Labcorp Genetics (formerly Invitae), Labcorp
Classification: Uncertain significance. Last evaluated: 2025-09-27. Review status: criteria provided, single submitter. Criteria: Invitae Variant Classification Sherloc (09022015). Collection method: clinical testing. Allele origin: germline.
Comment: This sequence change replaces valine, which is neutral and non-polar, with leucine, which is neutral and non-polar, at codon 1564 of the SCN3A protein (p.Val1564Leu). This variant is present in population databases (rs775646688, gnomAD 0.01%). This variant has not been reported in the literature in individuals affected with SCN3A-related conditions. ClinVar contains an entry for this variant (Variation ID: 946380). Invitae Evidence Modeling of protein sequence and biophysical properties (such as structural, functional, and spatial information, amino acid conservation, physicochemical variation, residue mobility, and thermodynamic stability) indicates that this missense variant is not expected to disrupt SCN3A protein function with a negative predictive value of 95%. In summary, the available evidence is currently insufficient to determine the role of this variant in disease. Therefore, it has been classified as a Variant of Uncertain Significance.

NM_006922.4(SCN3A):c.4690G>C (p.Val1564Leu)

Gene: SCN3A (sodium voltage-gated channel alpha subunit 3; minus strand). Cytogenetic location: 2q24.3.
Variant type: single nucleotide variant.
Coding change: c.4690G>C on transcript NM_006922.4 (MANE Select); coding-DNA position 4690, G replaced by C.
Protein change: p.Val1564Leu; replaces valine 1564 with leucine.
Molecular consequence: missense variant.
Genome position (GRCh38, 1-based): chr2:165,092,371, C>G on the plus strand (G>C on the coding strand, the complement: SCN3A is on the minus strand). VCF-style: chr2-165092371-C-G. GRCh37 (hg19) VCF-style: chr2-165948881-C-G.
Other names: c.4543G>C, p.Val1515Leu (NM_001081676.2, NM_001081677.2); short protein forms V1564L, V1515L.
Identifiers: ClinVar variation 946380 (VCV000946380.9), dbSNP rs775646688, ClinGen allele CA1938522.